The following is an entry in ClinVar:

NM_020937.4(FANCM):c.2221G>C (p.Asp741His)

Gene: FANCM (FA complementation group M; plus strand). Cytogenetic location: 14q21.2.
Variant type: single nucleotide variant.
Coding change: c.2221G>C on transcript NM_020937.4 (MANE Select); coding-DNA position 2221, G replaced by C.
Protein change: p.Asp741His; replaces aspartic acid 741 with histidine.
Molecular consequence: missense variant.
Genome position (GRCh38, 1-based): chr14:45,173,115, G>C. VCF-style: chr14-45173115-G-C. GRCh37 (hg19) VCF-style: chr14-45642318-G-C.
Other names: c.2143G>C, p.Asp715His (NM_001308133.2); short protein forms D715H, D741H.
Identifiers: ClinVar variation 4254597 (VCV004254597.1).
Genomic context (GRCh38, chr14:45,173,115, plus strand): 5'-GCTCAAGAATCAACCACTGGAATTCATCAACTCTCTCTCTCTGAATGGAGACTGTGGCAA[G>C]ATCATCCTTTGCCTACACATCAAGTTGATCACTCAGATCGATGCCGCCATTTTATAGGCC-3'
Protein context (NP_065988.1, residues 731-751): LSLSEWRLWQ[Asp741His]HPLPTHQVDH

ClinVar aggregate classification (germline): Uncertain significance (1 of 4 stars; one submission).

Conditions:
Inborn genetic diseases. Identifiers: MedGen C0950123, MeSH D030342.

gnomAD v4.1: 1 of 1,611,074 alleles (0.000062%); highest among the groups gnomAD compares: Non-Finnish European, 0.000085%; no homozygotes.

Submission:

Ambry Genetics
Classification: Uncertain significance for Inborn genetic diseases. Last evaluated: 2025-07-17. Review status: criteria provided, single submitter. Criteria: Ambry Variant Classification Scheme 2023. Collection method: clinical testing. Allele origin: germline.
Comment: The p.D741H variant (also known as c.2221G>C), located in coding exon 13 of the FANCM gene, results from a G to C substitution at nucleotide position 2221. The aspartic acid at codon 741 is replaced by histidine, an amino acid with similar properties. This amino acid position is conserved. In addition, this alteration is predicted to be tolerated by in silico analysis. Based on the available evidence, the clinical significance of this variant remains unclear.